The following is an entry in ClinVar:

NC_000023.11:g.24539134A>G

Gene: PDK3 (pyruvate dehydrogenase kinase 3; plus strand). Cytogenetic location: Xp22.11.
Variant type: single nucleotide variant.
Molecular consequence: synonymous variant (on NM_001142386.3).
Genome position: GRCh38 VCF-style: chrX-24539134-A-G. GRCh37 (hg19) VCF-style: chrX-24557251-A-G.
Other names: c.1218A>G, p.Gln406= (NM_001142386.3).
Identifiers: ClinVar variation 2811177 (VCV002811177.3), dbSNP rs2518596412, ClinGen allele CA515727573.

ClinVar aggregate classification (germline): Uncertain significance (1 of 4 stars; one submission).

Conditions:
Charcot-Marie-Tooth disease X-linked dominant 6. Also called: CHARCOT-MARIE-TOOTH NEUROPATHY, X-LINKED DOMINANT, 6. Identifiers: Orphanet 352675, MedGen C3806702, MONDO:0010479, OMIM 300905.

Submission:

Labcorp Genetics (formerly Invitae), Labcorp
Classification: Uncertain significance for Charcot-Marie-Tooth disease X-linked dominant 6. Last evaluated: 2025-09-08. Review status: criteria provided, single submitter. Criteria: Invitae Variant Classification Sherloc (09022015). Collection method: clinical testing. Allele origin: germline.
Comment: This sequence change affects codon 406 of the PDK3 mRNA. It is a 'silent' change, meaning that it does not change the encoded amino acid sequence of the PDK3 protein. It affects a nucleotide within the consensus splice site. This variant is not present in population databases (gnomAD no frequency). This variant has not been reported in the literature in individuals affected with PDK3-related conditions. ClinVar contains an entry for this variant (Variation ID: 2811177). Algorithms developed to predict the effect of sequence changes on RNA splicing suggest that this variant is not likely to affect RNA splicing. In summary, the available evidence is currently insufficient to determine the role of this variant in disease. Therefore, it has been classified as a Variant of Uncertain Significance.